The following is an entry in ClinVar:

ClinVar aggregate classification (germline): Likely benign (0 of 4 stars; one submission).

Conditions:
LRP1-related disorder. Also called: LRP1-related condition.

Allele frequency attached by ClinVar (database versions not stated): TOPMed below 0.00001; gnomAD 0.00002; ExAC 0.00012.

Submission:

PreventionGenetics, part of Exact Sciences
Classification: Likely benign for LRP1-related condition. Last evaluated: 2020-03-17. Review status: no assertion criteria provided. Collection method: clinical testing. Allele origin: germline.
Comment: This variant is classified as likely benign based on ACMG/AMP sequence variant interpretation guidelines (Richards et al. 2015 PMID: 25741868, with internal and published modifications).

NM_002332.3(LRP1):c.7430-10C>G

Gene: LRP1 (LDL receptor related protein 1; plus strand). Cytogenetic location: 12q13.3.
Variant type: single nucleotide variant.
Coding change: c.7430-10C>G on transcript NM_002332.3 (MANE Select); 10 bases into the intron before coding-DNA position 7430, C replaced by G.
Molecular consequence: intron variant.
Genome position (GRCh38, 1-based): chr12:57,192,835, C>G. VCF-style: chr12-57192835-C-G. GRCh37 (hg19) VCF-style: chr12-57586618-C-G.
Identifiers: ClinVar variation 3046894 (VCV003046894.2), dbSNP rs547948235, ClinGen allele CA6644052.